The following is an entry in ClinVar:

NM_001164508.2(NEB):c.402+4G>A

Gene: NEB (nebulin; minus strand). Cytogenetic location: 2q23.3.
Variant type: single nucleotide variant.
Coding change: c.402+4G>A on transcript NM_001164508.2 (MANE Select); 4 bases into the intron after coding-DNA position 402, G replaced by A.
Molecular consequence: intron variant.
Genome position (GRCh38, 1-based): chr2:151,725,449, C>T on the plus strand (G>A on the coding strand, the complement: NEB is on the minus strand). VCF-style: chr2-151725449-C-T. GRCh37 (hg19) VCF-style: chr2-152581963-C-T.
Other names: c.402+4G>A (NM_004543.5, NM_001164507.2, NM_001271208.2).
Identifiers: ClinVar variation 969473 (VCV000969473.9), dbSNP rs1162289427, ClinGen allele CA1139657276.

ClinVar aggregate classification (germline): Uncertain significance. Review status: criteria provided, multiple submitters, no conflicts (2 of 4 stars). 3 submissions from 3 submitters: Uncertain significance (2). 1 of the submissions does not count toward it. Last evaluated 2024-05-10.

Conditions:
Nemaline myopathy 2 (NEM2). Also called: Nemaline myopathy 2, autosomal recessive. Identifiers: MedGen C1850569, MONDO:0009725, OMIM 256030.

gnomAD v4.1: 5 of 1,610,140 alleles (0.00031%); highest among the groups gnomAD compares: African/African-American, 0.0053%; no homozygotes.

Submissions (3):

Labcorp Genetics (formerly Invitae), Labcorp
Classification: Uncertain significance for Nemaline myopathy 2. Last evaluated: 2024-05-10. Review status: criteria provided, single submitter. Criteria: Invitae Variant Classification Sherloc (09022015). Collection method: clinical testing. Allele origin: germline.
Comment: This sequence change falls in intron 6 of the NEB gene. It does not directly change the encoded amino acid sequence of the NEB protein. It affects a nucleotide within the consensus splice site. This variant is not present in population databases (gnomAD no frequency). This variant has not been reported in the literature in individuals affected with NEB-related conditions. ClinVar contains an entry for this variant (Variation ID: 969473). Variants that disrupt the consensus splice site are a relatively common cause of aberrant splicing (PMID: 17576681, 9536098). Algorithms developed to predict the effect of sequence changes on RNA splicing suggest that this variant is not likely to affect RNA splicing. In summary, the available evidence is currently insufficient to determine the role of this variant in disease. Therefore, it has been classified as a Variant of Uncertain Significance.

Blueprint Genetics
Classification: Uncertain significance. Last evaluated: 2024-03-28. Review status: criteria provided, single submitter. Criteria: ACMG Guidelines, 2015. Collection method: clinical testing. Allele origin: germline.

Natera, Inc.
Classification: Uncertain significance for Nemaline myopathy type 2. Last evaluated: 2020-02-13. Review status: no assertion criteria provided. Collection method: clinical testing. Allele origin: germline. Not counted in ClinVar's aggregate classification.

Literature cited by the submitters: PubMed 17576681 (cited by Labcorp Genetics (formerly Invitae), Labcorp); PubMed 9536098 (cited by Labcorp Genetics (formerly Invitae), Labcorp).